The following is an entry in ClinVar:

ClinVar aggregate classification (germline): Conflicting classifications of pathogenicity. Review status: criteria provided, conflicting classifications (1 of 4 stars). 2 submissions from 2 submitters: Uncertain significance (1); Likely benign (1). Last evaluated 2026-07-07.

Conditions:
Hereditary cancer-predisposing syndrome. Also called: Hereditary Cancer Syndrome; Neoplastic Syndromes, Hereditary; Hereditary neoplastic syndrome; Tumor predisposition. Identifiers: Orphanet 140162, MedGen C0027672, MeSH D009386, MONDO:0015356.
Peutz-Jeghers syndrome (PJS). Also called: POLYPOSIS, HAMARTOMATOUS INTESTINAL; POLYPS-AND-SPOTS SYNDROME; Peutz-Jeghers polyposis; Periorificial lentiginosis syndrome. Identifiers: Orphanet 2869, MedGen C0031269, MeSH D010580, MONDO:0008280, OMIM 175200.

Submissions (2):

Ambry Genetics
Classification: Likely benign for Hereditary cancer-predisposing syndrome. Last evaluated: 2026-07-07. Review status: criteria provided, single submitter. Criteria: Ambry Variant Classification Scheme 2023. Collection method: clinical testing. Allele origin: germline.

Labcorp Genetics (formerly Invitae), Labcorp
Classification: Uncertain significance for Peutz-Jeghers syndrome. Last evaluated: 2025-08-07. Review status: criteria provided, single submitter. Criteria: Invitae Variant Classification Sherloc (09022015). Collection method: clinical testing. Allele origin: germline.
Comment: This sequence change replaces alanine, which is neutral and non-polar, with threonine, which is neutral and polar, at codon 397 of the STK11 protein (p.Ala397Thr). This variant is not present in population databases (gnomAD no frequency). This variant has not been reported in the literature in individuals affected with STK11-related conditions. ClinVar contains an entry for this variant (Variation ID: 1415907). Invitae Evidence Modeling of protein sequence and biophysical properties (such as structural, functional, and spatial information, amino acid conservation, physicochemical variation, residue mobility, and thermodynamic stability) indicates that this missense variant is not expected to disrupt STK11 protein function with a negative predictive value of 95%. In summary, the available evidence is currently insufficient to determine the role of this variant in disease. Therefore, it has been classified as a Variant of Uncertain Significance.

NM_000455.5(STK11):c.1189G>A (p.Ala397Thr)

Gene: STK11 (serine/threonine kinase 11; plus strand). Cytogenetic location: 19p13.3.
Variant type: single nucleotide variant.
Coding change: c.1189G>A on transcript NM_000455.5 (MANE Select); coding-DNA position 1189, G replaced by A.
Protein change: p.Ala397Thr; replaces alanine 397 with threonine.
Molecular consequence: missense variant.
Genome position (GRCh38, 1-based): chr19:1,226,534, G>A. VCF-style: chr19-1226534-G-A. GRCh37 (hg19) VCF-style: chr19-1226533-G-A.
Other names: c.1189G>A (NM_000455.4); short protein forms A397T.
Identifiers: ClinVar variation 1415907 (VCV001415907.9), dbSNP rs587780008, ClinGen allele CA402953611.